The following is an entry in ClinVar:

ClinVar aggregate classification (germline): Likely pathogenic (1 of 4 stars; one submission).

Conditions:
Dilated cardiomyopathy 1G (CMD1G). Identifiers: Orphanet 154, MedGen C1858763, MONDO:0011400, OMIM 604145.
Autosomal recessive limb-girdle muscular dystrophy type 2J (LGMDR10). Also called: Limb-girdle muscular dystrophy, type 2J; MUSCULAR DYSTROPHY, LIMB-GIRDLE, AUTOSOMAL RECESSIVE 10. Identifiers: Orphanet 140922, MedGen C1837342, MONDO:0012127, OMIM 608807.

Submission:

Labcorp Genetics (formerly Invitae), Labcorp
Classification: Likely pathogenic for Dilated cardiomyopathy 1G; Autosomal recessive limb-girdle muscular dystrophy type 2J. Last evaluated: 2025-11-05. Review status: criteria provided, single submitter. Criteria: Invitae Variant Classification Sherloc (09022015). Collection method: clinical testing. Allele origin: germline.
Comment: This sequence change creates a premature translational stop signal (p.Ala18981Asnfs*16) in the TTN gene. While this is not anticipated to result in nonsense mediated decay, it is expected to create a truncated TTN protein. This variant is not present in population databases (gnomAD no frequency). This variant has not been reported in the literature in individuals affected with TTN-related conditions. ClinVar contains an entry for this variant (Variation ID: 1498345). This variant is located in the A band of TTN (PMID: 25589632). Truncating variants in this region are significantly overrepresented in patients affected with dilated cardiomyopathy (PMID: 25589632). Truncating variants in this region have also been reported in individuals affected with autosomal recessive centronuclear myopathy (PMID: 23975875). In summary, the currently available evidence indicates that the variant is pathogenic, but additional data are needed to prove that conclusively. Therefore, this variant has been classified as Likely Pathogenic.

Literature cited by the submitters: PubMed 25589632; PubMed 23975875.

NM_001267550.2(TTN):c.56941_56957del (p.Ala18981fs)

Genes: TTN (titin; minus strand), TTN-AS1 (TTN antisense RNA 1; plus strand). Cytogenetic location: 2q31.2.
Variant type: Deletion.
Coding change: c.56941_56957del on transcript NM_001267550.2 (MANE Select); coding-DNA positions 56941 to 56957, 17 bases deleted (GCGACTGCTAGAGATCC).
Protein change: p.Ala18981fs; shifts the reading frame from alanine 18981.
Molecular consequence: frameshift variant.
Genome position (GRCh38, 1-based): chr2:178,598,753-178,598,769, GGATCTCTAGCAGTCGC deleted on the plus strand (GCGACTGCTAGAGATCC on the coding strand, the reverse complement: TTN is on the minus strand). VCF-style (leftmost placement, unchanged base first): chr2-178598752-TGGATCTCTAGCAGTCGC-T. GRCh37 (hg19) VCF-style: chr2-179463479-TGGATCTCTAGCAGTCGC-T.
Other names: c.52018_52034del, p.Ala17340fs (NM_001256850.1); c.29746_29762del, p.Ala9916fs (NM_003319.4); c.49237_49253del, p.Ala16413fs (NM_133378.4); c.30121_30137del, p.Ala10041fs (NM_133432.3); c.30322_30338del, p.Ala10108fs (NM_133437.4); short protein forms A10041fs, A10108fs, A17340fs, A9916fs, A16413fs, A18981fs.
Identifiers: ClinVar variation 1498345 (VCV001498345.8), dbSNP rs2154190805, ClinGen allele CA2573133755.
Genomic context (GRCh38, chr2:178,598,752, plus strand): 5'-TCCAAGGCACTTTTGGAAAATAAGATTTAAAAAAAAGGAATGGTTTCCAGGCTTACCAAT[TGGATCTCTAGCAGTCGC>T]TGGGTCTGATGGCAGACTTGCTGGACCCACGCCAGCAGCATTGATTGCATATACCCGGAA-3'